The following is an entry in ClinVar:

NM_001159699.2(FHL1):c.811T>C (p.Cys271Arg)

Gene: FHL1 (four and a half LIM domains 1; plus strand). Cytogenetic location: Xq26.3.
Variant type: single nucleotide variant.
Coding change: c.811T>C on transcript NM_001159699.2 (MANE Select); coding-DNA position 811, T replaced by C.
Protein change: p.Cys271Arg; replaces cysteine 271 with arginine.
Molecular consequence: missense variant. On other transcripts: synonymous variant (6), non-coding transcript variant (1).
Genome position (GRCh38, 1-based): chrX:136,209,945, T>C. VCF-style: chrX-136209945-T-C. GRCh37 (hg19) VCF-style: chrX-135292104-T-C.
Other names: c.763T>C, p.Cys255Arg (NM_001159700.2, NM_001159704.1, NM_001167819.1 and 4 more transcripts); c.850T>C, p.Cys284Arg (NM_001159701.2); c.963T>C, p.Asn321= (NM_001159702.3, NM_001369326.1, NM_001369327.2 and 1 more transcripts); c.576T>C, p.Asn192= (NM_001159703.2); c.624T>C, p.Asn208= (NM_001330659.2); short protein forms C255R, C271R, C284R.
Identifiers: ClinVar variation 570625 (VCV000570625.9), dbSNP rs1569530825, ClinGen allele CA414609785.
Genomic context (GRCh38, chrX:136,209,945, plus strand): 5'-TCCAGTGTGGTGGCCTATGAAGGACAATCCTGGCACGACTACTGCTTCCACTGCAAAAAA[T>C]GCTCCGTGAATCTGGCCAACAAGCGCTTTGTTTTCCACCAGGAGCAAGTGTATTGTCCCG-3'
Protein context (NP_001153171.1, residues 261-281): WHDYCFHCKK[Cys271Arg]SVNLANKRFV

ClinVar aggregate classification (germline): Uncertain significance (1 of 4 stars; one submission).

Conditions:
X-linked myopathy with postural muscle atrophy. Also called: FHL1-Related Emery-Dreifuss Muscular Dystrophy, X-Linked. Identifiers: Orphanet 178461, MedGen C2678055, MONDO:0010401, OMIM 300696.

Submission:

Labcorp Genetics (formerly Invitae), Labcorp
Classification: Uncertain significance for X-linked myopathy with postural muscle atrophy. Last evaluated: 2018-07-10. Review status: criteria provided, single submitter. Criteria: Invitae Variant Classification Sherloc (09022015). Collection method: clinical testing. Allele origin: germline.
Comment: Algorithms developed to predict the effect of missense changes on protein structure and function do not agree on the potential impact of this missense change (SIFT: "Deleterious"; PolyPhen-2: "Probably Damaging"; Align-GVGD: "Class C0"). This variant has not been reported in individuals affected with FHL1-related conditions. This variant is not present in population databases (ExAC no frequency). This sequence change replaces cysteine with arginine at codon 255 of the FHL1 protein (p.Cys255Arg). The cysteine residue is moderately conserved and there is a large physicochemical difference between cysteine and arginine. The p.Cys255 amino acid residue in FHL1 has been determined to be clinically significant (PMID: 25246303, 26857240). This suggests that variants that disrupt this residue are likely to be causative of disease. In summary, the available evidence is currently insufficient to determine the role of this variant in disease. Therefore, it has been classified as a Variant of Uncertain Significance.

Literature cited by the submitters: PubMed 25246303; PubMed 26857240.